The following is an entry in ClinVar:

NM_019032.6(ADAMTSL4):c.2875_2900del (p.Pro959fs)

Gene: ADAMTSL4 (ADAMTS like 4; plus strand). Cytogenetic location: 1q21.2.
Variant type: Deletion.
Coding change: c.2875_2900del on transcript NM_019032.6 (MANE Select); coding-DNA positions 2875 to 2900, 26 bases deleted (CCCCCTGCCCTGCAGCCCTGTCAAGG).
Protein change: p.Pro959fs; shifts the reading frame from proline 959.
Molecular consequence: frameshift variant.
Genome position (GRCh38, 1-based): chr1:150,559,398-150,559,423, CCCCCTGCCCTGCAGCCCTGTCAAGG deleted; deleting any 26 consecutive bases within chr1:150,559,395-150,559,423 gives the same sequence; the c. name uses the placement nearest the transcript's 3' end. VCF-style (leftmost placement, unchanged base first): chr1-150559394-CAGGCCCCCTGCCCTGCAGCCCTGTCA-C. GRCh37 (hg19) VCF-style: chr1-150531870-CAGGCCCCCTGCCCTGCAGCCCTGTCA-C.
Other names: c.2758_2783del, p.Pro920fs (NM_001288607.2); c.2944_2969del, p.Pro982fs (NM_001288608.2); c.2875_2900del, p.Pro959fs (NM_001378596.1); short protein forms P982fs, P920fs, P959fs.
Identifiers: ClinVar variation 2801374 (VCV002801374.3), dbSNP rs771318271, ClinGen allele CA1078866.

ClinVar aggregate classification (germline): Pathogenic (1 of 4 stars; one submission).

Submission:

Labcorp Genetics (formerly Invitae), Labcorp
Classification: Pathogenic. Last evaluated: 2025-04-09. Review status: criteria provided, single submitter. Criteria: Invitae Variant Classification Sherloc (09022015). Collection method: clinical testing. Allele origin: germline.
Comment: This sequence change creates a premature translational stop signal (p.Pro959Alafs*54) in the ADAMTSL4 gene. It is expected to result in an absent or disrupted protein product. Loss-of-function variants in ADAMTSL4 are known to be pathogenic (PMID: 20564469, 28642162). This variant is present in population databases (rs771318271, gnomAD 0.0009%). This variant has not been reported in the literature in individuals affected with ADAMTSL4-related conditions. ClinVar contains an entry for this variant (Variation ID: 2801374). For these reasons, this variant has been classified as Pathogenic.

Literature cited by the submitters: PubMed 20564469; PubMed 28642162.